The following is an entry in ClinVar:

ClinVar aggregate classification (germline): Uncertain significance (1 of 4 stars; one submission).

Conditions:
COL6A3-related disorder. Also called: COL6A3-related disorders; COL6A3-related condition.

gnomAD v4.1: 5 of 1,613,698 alleles (0.00031%); highest among the groups gnomAD compares: East Asian, 0.0089%; no homozygotes.

Submission:

PreventionGenetics, part of Exact Sciences
Classification: Uncertain significance for COL6A3-related condition. Last evaluated: 2026-01-13. Review status: criteria provided, single submitter. Criteria: ACMG Guidelines, 2015. Collection method: clinical testing. Allele origin: germline.
Comment: The COL6A3 c.6290G>C variant is predicted to result in the amino acid substitution p.Arg2097Pro. To our knowledge, this variant has not been reported in the literature. This variant is reported in 0.045% of alleles in individuals of East Asian descent in gnomAD. At this time, the clinical significance of this variant is uncertain due to the absence of conclusive functional and genetic evidence.

NM_004369.4(COL6A3):c.6290G>C (p.Arg2097Pro)

Genes: COL6A3 (collagen type VI alpha 3 chain; minus strand), LOC122889011 (Sharpr-MPRA regulatory region 1020; plus strand). Cytogenetic location: 2q37.3.
Variant type: single nucleotide variant.
Coding change: c.6290G>C on transcript NM_004369.4 (MANE Select); coding-DNA position 6290, G replaced by C.
Protein change: p.Arg2097Pro; replaces arginine 2097 with proline.
Molecular consequence: missense variant.
Genome position (GRCh38, 1-based): chr2:237,359,381, C>G on the plus strand (G>C on the coding strand, the complement: COL6A3 is on the minus strand). VCF-style: chr2-237359381-C-G. GRCh37 (hg19) VCF-style: chr2-238268024-C-G.
Other names: c.4469G>C, p.Arg1490Pro (NM_057166.5); c.5672G>C, p.Arg1891Pro (NM_057167.4); short protein forms R1891P, R1490P, R2097P.
Identifiers: ClinVar variation 4987435 (VCV004987435.1).
Genomic context (GRCh38, chr2:237,359,381, plus strand): 5'-GGAGAGTTTTCCATTTGTAAAACAAAACCAAGCTTGCATACCTTCTCTCCTGGGAATCCC[C>G]GAGAGCCCTAGAAGGCAAGGCGATAGGGGAAGCATTAGCTTTTCCTGCAGGGCTGGTCCC-3'
Protein context (NP_004360.2, residues 2087-2107): CPGQRGVKGS[Arg2097Pro]GFPGEKGEVG